The following is an entry in ClinVar:

ClinVar aggregate classification (germline): Uncertain significance (1 of 4 stars; one submission).

Conditions:
Hereditary pheochromocytoma and paraganglioma. Also called: Hereditary Paraganglioma-Pheochromocytoma Syndromes; Hereditary paragangliomas and pheochromocytomas; Hereditary pheochromocytoma-paraganglioma. Identifiers: Orphanet 29072, MedGen C4274332, MONDO:0017366.

Submission:

Labcorp Genetics (formerly Invitae), Labcorp
Classification: Uncertain significance for Hereditary pheochromocytoma and paraganglioma. Last evaluated: 2025-03-14. Review status: criteria provided, single submitter. Criteria: Invitae Variant Classification Sherloc (09022015). Collection method: clinical testing. Allele origin: germline.
Comment: This sequence change replaces leucine, which is neutral and non-polar, with proline, which is neutral and non-polar, at codon 111 of the MAX protein (p.Leu111Pro). This variant is not present in population databases (gnomAD no frequency). This variant has not been reported in the literature in individuals affected with MAX-related conditions. An algorithm developed to predict the effect of missense changes on protein structure and function (PolyPhen-2) suggests that this variant is likely to be tolerated. In summary, the available evidence is currently insufficient to determine the role of this variant in disease. Therefore, it has been classified as a Variant of Uncertain Significance.

NM_002382.5(MAX):c.332T>C (p.Leu111Pro)

Gene: MAX (MYC associated transcriptional regulator X; minus strand). Cytogenetic location: 14q23.3.
Variant type: single nucleotide variant.
Coding change: c.332T>C on transcript NM_002382.5 (MANE Select); coding-DNA position 332, T replaced by C.
Protein change: p.Leu111Pro; replaces leucine 111 with proline.
Molecular consequence: missense variant. On other transcripts: 3 prime UTR variant (12), non-coding transcript variant (7), intron variant (2).
Genome position (GRCh38, 1-based): chr14:65,076,627, A>G on the plus strand (T>C on the coding strand, the complement: MAX is on the minus strand). VCF-style: chr14-65076627-A-G. GRCh37 (hg19) VCF-style: chr14-65543345-A-G.
Other names: c.143T>C, p.Leu48Pro (NM_001320415.2, NM_001407105.1, NM_001407106.1 and 1 more transcripts); c.332T>C, p.Leu111Pro (NM_001407094.1); c.305T>C, p.Leu102Pro (NM_001407095.1, NM_145112.3); c.*105T>C (NM_001407096.1, NM_001407099.1, NM_001407102.1 and 2 more transcripts); c.*121T>C (NM_001407097.1, NM_001407100.1, NM_001407101.1 and 4 more transcripts); c.224T>C, p.Leu75Pro (NM_001407098.1); c.131T>C, p.Leu44Pro (NM_001407111.1, NM_001407112.1); c.144+17081T>C (NM_001271069.2); and 1 more; short protein forms L102P, L111P, L44P, L48P, L75P.
Identifiers: ClinVar variation 4811161 (VCV004811161.1).